The following is an entry in ClinVar:

NM_000426.4(LAMA2):c.3010T>C (p.Phe1004Leu)

Gene: LAMA2 (laminin subunit alpha 2; plus strand). Cytogenetic location: 6q22.33.
Variant type: single nucleotide variant.
Coding change: c.3010T>C on transcript NM_000426.4 (MANE Select); coding-DNA position 3010, T replaced by C.
Protein change: p.Phe1004Leu; replaces phenylalanine 1004 with leucine.
Molecular consequence: missense variant.
Genome position (GRCh38, 1-based): chr6:129,297,838, T>C. VCF-style: chr6-129297838-T-C. GRCh37 (hg19) VCF-style: chr6-129618983-T-C.
Other names: c.3010T>C, p.Phe1004Leu (NM_001079823.2); c.3010T>C (NM_000426.3); short protein forms F1004L.
Identifiers: ClinVar variation 1016436 (VCV001016436.7), dbSNP rs763410003, ClinGen allele CA3993128.

ClinVar aggregate classification (germline): Uncertain significance. Review status: criteria provided, multiple submitters, no conflicts (2 of 4 stars). 2 submissions from 2 submitters: Uncertain significance (2). Last evaluated 2025-12-03.

Conditions:
Inborn genetic diseases. Identifiers: MedGen C0950123, MeSH D030342.
LAMA2-related muscular dystrophy (LAMA2-RD). Also called: Laminin alpha 2-related dystrophy. Identifiers: MedGen C5679788, MONDO:0100228.

Allele frequency attached by ClinVar (database versions not stated): gnomAD exomes below 0.00001 and 0.00004; TOPMed below 0.00001; ExAC 0.00001.
gnomAD v4.1: 51 of 1,613,898 alleles (0.0032%); highest among the groups gnomAD compares: Non-Finnish European, 0.0042%; no homozygotes.

Submissions (2):

Ambry Genetics
Classification: Uncertain significance for Inborn genetic diseases. Last evaluated: 2025-12-03. Review status: criteria provided, single submitter. Criteria: Ambry Variant Classification Scheme 2023. Collection method: clinical testing. Allele origin: germline.

Labcorp Genetics (formerly Invitae), Labcorp
Classification: Uncertain significance for LAMA2-related muscular dystrophy. Last evaluated: 2022-07-19. Review status: criteria provided, single submitter. Criteria: Invitae Variant Classification Sherloc (09022015). Collection method: clinical testing. Allele origin: germline.
Comment: This sequence change replaces phenylalanine, which is neutral and non-polar, with leucine, which is neutral and non-polar, at codon 1004 of the LAMA2 protein (p.Phe1004Leu). This variant is present in population databases (rs763410003, gnomAD 0.0009%). This variant has not been reported in the literature in individuals affected with LAMA2-related conditions. ClinVar contains an entry for this variant (Variation ID: 1016436). Advanced modeling of protein sequence and biophysical properties (such as structural, functional, and spatial information, amino acid conservation, physicochemical variation, residue mobility, and thermodynamic stability) performed at Invitae indicates that this missense variant is not expected to disrupt LAMA2 protein function. In summary, the available evidence is currently insufficient to determine the role of this variant in disease. Therefore, it has been classified as a Variant of Uncertain Significance.